The following is an entry in ClinVar:

ClinVar aggregate classification (germline): Uncertain significance (1 of 4 stars; one submission).

Conditions:
NTRK2-related disorder. Also called: NTRK2-related condition.

Submission:

PreventionGenetics, part of Exact Sciences
Classification: Uncertain significance for NTRK2-related condition. Last evaluated: 2025-06-17. Review status: criteria provided, single submitter. Criteria: ACMG Guidelines, 2015. Collection method: clinical testing. Allele origin: germline.
Comment: The NTRK2 c.1978C>T variant is predicted to result in the amino acid substitution p.Pro660Ser. To our knowledge, this variant has not been reported in the literature or in a large population database (gnomAD), indicating this variant is rare. At this time, the clinical significance of this variant is uncertain due to the absence of conclusive functional and genetic evidence.

NM_006180.6(NTRK2):c.1978C>T (p.Pro660Ser)

Gene: NTRK2 (neurotrophic receptor tyrosine kinase 2; plus strand). Cytogenetic location: 9q21.33.
Variant type: single nucleotide variant.
Coding change: c.1978C>T on transcript NM_006180.6 (MANE Select); coding-DNA position 1978, C replaced by T.
Protein change: p.Pro660Ser; replaces proline 660 with serine.
Molecular consequence: missense variant.
Genome position (GRCh38, 1-based): chr9:84,955,323, C>T. VCF-style: chr9-84955323-C-T. GRCh37 (hg19) VCF-style: chr9-87570238-C-T.
Other names: c.1930C>T, p.Pro644Ser (NM_001018064.3, NM_001369532.1, NM_001369533.1); c.1894C>T, p.Pro632Ser (NM_001369534.1); c.1462C>T, p.Pro488Ser (NM_001369535.1); c.1510C>T, p.Pro504Ser (NM_001369536.1); short protein forms P632S, P488S, P504S, P660S, P644S.
Identifiers: ClinVar variation 4977032 (VCV004977032.1).